The following is an entry in ClinVar:

ClinVar aggregate classification (germline): Pathogenic. Review status: criteria provided, multiple submitters, no conflicts (2 of 4 stars). 5 submissions from 5 submitters: Pathogenic (5). Last evaluated 2024-10-31.

Conditions:
Thrombophilia due to protein C deficiency, autosomal dominant. Also called: PROC DEFICIENCY, AUTOSOMAL DOMINANT; PROTEIN C DEFICIENCY, AUTOSOMAL DOMINANT. Identifiers: Orphanet 745, MedGen C2674321, MONDO:0008316, OMIM 176860. Disease mechanism: loss of function.
Thrombophilia due to protein C deficiency, autosomal recessive. Also called: PROC DEFICIENCY, AUTOSOMAL RECESSIVE; PROTEIN C DEFICIENCY, AUTOSOMAL RECESSIVE. Identifiers: Orphanet 745, MedGen C2676759, MONDO:0012860, OMIM 612304.

Allele frequency attached by ClinVar (database versions not stated): gnomAD exomes below 0.00001; gnomAD 0.00001; TOPMed 0.00001.
gnomAD v4.1: 7 of 1,613,944 alleles (0.00043%); highest among the groups gnomAD compares: Non-Finnish European, 0.00059%; no homozygotes.

Submissions (5):

Labcorp Genetics (formerly Invitae), Labcorp
Classification: Pathogenic for Thrombophilia due to protein C deficiency, autosomal dominant. Last evaluated: 2024-10-31. Review status: criteria provided, single submitter. Criteria: Invitae Variant Classification Sherloc (09022015). Collection method: clinical testing. Allele origin: germline.
Comment: This sequence change creates a premature translational stop signal (p.Arg199*) in the PROC gene. It is expected to result in an absent or disrupted protein product. Loss-of-function variants in PROC are known to be pathogenic (PMID: 17152060). The frequency data for this variant in the population databases is considered unreliable, as metrics indicate poor data quality at this position in the gnomAD database. This premature translational stop signal has been observed in individual(s) with protein C deficiency (PMID: 7894031, 24028705, 25648792). This variant is also known as 6182 C>T (157Arg). ClinVar contains an entry for this variant (Variation ID: 839161). Algorithms developed to predict the effect of sequence changes on RNA splicing suggest that this variant may disrupt the consensus splice site. For these reasons, this variant has been classified as Pathogenic.

Mayo Clinic Laboratories, Mayo Clinic
Classification: Pathogenic. Last evaluated: 2024-05-20. Review status: criteria provided, single submitter. Criteria: ACMG Guidelines, 2015. Collection method: clinical testing. Allele origin: germline. Observed: 2 variant alleles.
Comment: PM2_moderate, PS3, PS4_moderate, PVS1

Equipe Genetique des Anomalies du Developpement, Université de Bourgogne
Classification: Pathogenic for Thrombophilia due to protein C deficiency, autosomal recessive. Last evaluated: 2023-11-30. Review status: criteria provided, single submitter. Criteria: ACMG Guidelines, 2015. Collection method: clinical testing. Allele origin: biparental. Affected: yes.

Illumina Laboratory Services, Illumina
Classification: Pathogenic for Thrombophilia due to protein C deficiency, autosomal dominant. Last evaluated: 2020-10-30. Review status: criteria provided, single submitter. Criteria: ICSLVariantClassificationCriteria RUGD 01 April 2020. Collection method: clinical testing. Allele origin: unknown.
Comment: Across a selection of the available literature, the PROC c.595C>T (p.Arg199Ter) variant, a stop-gained variant, has been identified in a heterozygous state in at least eleven unrelated families with protein C deficiency and a history of venous thrombosis, and in a compound heterozygous state in one individual with protein C deficiency (David et al. 2011; Fidalgo et al. 2014; Luan et al. 2015). The p.Arg199Ter variant was also found in a patient with venous thromboembolism and protein C deficiency who also carried a PROC missense variant, but the phase of variants was not provided (Gu et al. 2014). The p.Arg199Ter variant is reported at a frequency of 0.000007 in the Total population of the Genome Aggregation Database, but this is based on two alleles in a region of good sequencing coverage so the variant is presumed to be rare. In vitro studies demonstrated that the p.Arg199Ter variant affects protein C function via nonsense mediated decay (Luan et al. 2015). Based on the collective evidence and application of the ACMG criteria, the p.Arg199Ter variant is classified as pathogenic for protein C deficiency.

CeGaT Center for Human Genetics Tuebingen
Classification: Pathogenic. Last evaluated: 2020-04-01. Review status: criteria provided, single submitter. Criteria: CeGaT Center For Human Genetics Tuebingen Variant Classification Criteria Version 2. Collection method: clinical testing. Allele origin: germline. Affected: yes. Observed: 1 variant allele.

Literature cited by the submitters: PubMed 17152060 (cited by Labcorp Genetics (formerly Invitae), Labcorp); PubMed 7894031 (cited by Labcorp Genetics (formerly Invitae), Labcorp); PubMed 24028705 (cited by 3 submitters); PubMed 25648792 (cited by 3 submitters); PubMed 25533856 (cited by Mayo Clinic Laboratories, Mayo Clinic and Illumina Laboratory Services, Illumina); PubMed 31254973 (cited by Mayo Clinic Laboratories, Mayo Clinic); PubMed 35627118 (cited by Mayo Clinic Laboratories, Mayo Clinic); PubMed 9990817 (cited by Mayo Clinic Laboratories, Mayo Clinic); PubMed 21621249 (cited by Illumina Laboratory Services, Illumina).

NM_000312.4(PROC):c.595C>T (p.Arg199Ter)

Gene: PROC (protein C, inactivator of coagulation factors Va and VIIIa; plus strand). Cytogenetic location: 2q14.3.
Variant type: single nucleotide variant.
Coding change: c.595C>T on transcript NM_000312.4 (MANE Select); coding-DNA position 595, C replaced by T.
Protein change: p.Arg199Ter; replaces arginine 199 with a stop codon.
Molecular consequence: nonsense.
Genome position (GRCh38, 1-based): chr2:127,426,144, C>T. VCF-style: chr2-127426144-C-T. GRCh37 (hg19) VCF-style: chr2-128183720-C-T.
Other names: p.Arg199*; c.778C>T, p.Arg260Ter (NM_001375602.1); c.760C>T, p.Arg254Ter (NM_001375603.1); c.658C>T, p.Arg220Ter (NM_001375604.1); c.697C>T, p.Arg233Ter (NM_001375605.1); c.763C>T, p.Arg255Ter (NM_001375606.1); c.781C>T, p.Arg261Ter (NM_001375607.1); c.538C>T, p.Arg180Ter (NM_001375608.1); and 3 more; short protein forms R191*, R197*, R254*, R220*, R233*, R260*, R180*, R199*.
Identifiers: ClinVar variation 839161 (VCV000839161.52), dbSNP rs1456533664, ClinGen allele CA348401296.